The following is an entry in ClinVar:

ClinVar aggregate classification (germline): Conflicting classifications of pathogenicity. Review status: criteria provided, conflicting classifications (1 of 4 stars). 4 submissions from 4 submitters: Uncertain significance (2); Likely benign (2). Last evaluated 2026-01-26.

Conditions:
Hereditary cancer-predisposing syndrome. Also called: Neoplastic Syndromes, Hereditary; Hereditary Cancer Syndrome; Hereditary neoplastic syndrome; Tumor predisposition. Identifiers: Orphanet 140162, MedGen C0027672, MeSH D009386, MONDO:0015356.
Multiple endocrine neoplasia, type 1 (MEN1). Also called: MEN I; WERMER SYNDROME; MEA I; Endocrine adenomatosis multiple; MEN 1. Identifiers: Orphanet 652, MedGen C0025267, MeSH D018761, MONDO:0007540, OMIM 131100.

Allele frequency attached by ClinVar (database versions not stated): gnomAD exomes below 0.00001 and 0.00001; TOPMed below 0.00001.

Submissions (4):

Labcorp Genetics (formerly Invitae), Labcorp
Classification: Likely benign for Multiple endocrine neoplasia, type 1. Last evaluated: 2026-01-26. Review status: criteria provided, single submitter. Criteria: Invitae Variant Classification Sherloc (09022015). Collection method: clinical testing. Allele origin: germline.

Color Diagnostics, LLC DBA Color Health
Classification: Uncertain significance for Multiple endocrine neoplasia, type 1. Last evaluated: 2025-06-13. Review status: criteria provided, single submitter. Criteria: ACMG Guidelines, 2015. Collection method: clinical testing. Allele origin: germline.
Comment: This missense variant replaces arginine with cysteine at codon 232 of the MEN1 protein. Computational prediction suggests that this variant may have deleterious impact on protein structure and function. To our knowledge, functional studies have not been reported for this variant. This variant has not been reported in individuals affected with MEN1-related disorders in the literature. This variant has been identified in 1/251322 chromosomes in the general population by the Genome Aggregation Database (gnomAD). The available evidence is insufficient to determine the role of this variant in disease conclusively. Therefore, this variant is classified as a Variant of Uncertain Significance.

Ambry Genetics
Classification: Likely benign for Hereditary cancer-predisposing syndrome. Last evaluated: 2022-12-23. Review status: criteria provided, single submitter. Criteria: Ambry Variant Classification Scheme 2023. Collection method: clinical testing. Allele origin: germline.

Blueprint Genetics
Classification: Uncertain significance. Last evaluated: 2022-09-02. Review status: criteria provided, single submitter. Criteria: ACMG Guidelines, 2015. Collection method: clinical testing. Allele origin: germline.

NM_001370259.2(MEN1):c.694C>T (p.Arg232Cys)

Gene: MEN1 (menin 1; minus strand). Cytogenetic location: 11q13.1.
Variant type: single nucleotide variant.
Coding change: c.694C>T on transcript NM_001370259.2 (MANE Select); coding-DNA position 694, C replaced by T.
Protein change: p.Arg232Cys; replaces arginine 232 with cysteine.
Molecular consequence: missense variant.
Genome position (GRCh38, 1-based): chr11:64,807,641, G>A on the plus strand (C>T on the coding strand, the complement: MEN1 is on the minus strand). VCF-style: chr11-64807641-G-A. GRCh37 (hg19) VCF-style: chr11-64575113-G-A.
Other names: c.709C>T, p.Arg237Cys (NM_000244.4, NM_130800.3, NM_130801.3 and 3 more transcripts); c.694C>T, p.Arg232Cys (NM_001370251.2, NM_001370260.2, NM_001370261.2 and 1 more transcripts); c.589C>T, p.Arg197Cys (NM_001370262.2, NM_001370263.2); short protein forms R232C, R237C, R197C.
Identifiers: ClinVar variation 457332 (VCV000457332.16), dbSNP rs1225847249, ClinGen allele CA381184625.
Genomic context (GRCh38, chr11:64,807,641, plus strand): 5'-CGGTGTGCAGGTCAATGGAAGGGTTGATGGCACACACCATGAACGCCACCTCCATCTTGC[G>A]GTCACAGCGCATGTATGATCCTTTCAGGTACAGCCAGCTCTTAGGGGGGGATGAGATCAT-3'
Protein context (NP_001357188.2, residues 222-242): YLKGSYMRCD[Arg232Cys]KMEVAFMVCA